The following is an entry in ClinVar:

NM_000038.6(APC):c.7732T>C (p.Ser2578Pro)

Gene: APC (APC regulator of Wnt signaling pathway; plus strand). Cytogenetic location: 5q22.2.
Variant type: single nucleotide variant.
Coding change: c.7732T>C on transcript NM_000038.6 (MANE Select); coding-DNA position 7732, T replaced by C.
Protein change: p.Ser2578Pro; replaces serine 2578 with proline.
Molecular consequence: missense variant.
Genome position (GRCh38, 1-based): chr5:112,843,326, T>C. VCF-style: chr5-112843326-T-C. GRCh37 (hg19) VCF-style: chr5-112179023-T-C.
Other names: c.7732T>C, p.Ser2578Pro (NM_001127510.3, NM_001354895.2); c.7678T>C, p.Ser2560Pro (NM_001127511.3); c.7786T>C, p.Ser2596Pro (NM_001354896.2); c.7762T>C, p.Ser2588Pro (NM_001354897.2); c.7657T>C, p.Ser2553Pro (NM_001354898.2); c.7648T>C, p.Ser2550Pro (NM_001354899.2); c.7609T>C, p.Ser2537Pro (NM_001354900.2); c.7555T>C, p.Ser2519Pro (NM_001354901.2); and 6 more; short protein forms S2295P, S2418P, S2452P, S2477P, S2487P, S2519P, S2537P, S2550P.
Identifiers: ClinVar variation 1692381 (VCV001692381.7), dbSNP rs2149992829, ClinGen allele CA16038121.

ClinVar aggregate classification (germline): Uncertain significance. Review status: criteria provided, multiple submitters, no conflicts (2 of 4 stars). 3 submissions from 3 submitters: Uncertain significance (3). Last evaluated 2026-06-28.

Conditions:
Hereditary cancer-predisposing syndrome. Also called: Tumor predisposition; Hereditary neoplastic syndrome; Neoplastic Syndromes, Hereditary; Hereditary Cancer Syndrome. Identifiers: Orphanet 140162, MedGen C0027672, MeSH D009386, MONDO:0015356.
Familial adenomatous polyposis 1 (FAP1). Also called: POLYPOSIS, ADENOMATOUS INTESTINAL; FAMILIAL ADENOMATOUS POLYPOSIS 1, ATTENUATED. Identifiers: MedGen C2713442, MONDO:0021056, OMIM 175100. Disease mechanism: loss of function.

gnomAD v4.1: 1 of 1,613,842 alleles (0.000062%); highest among the groups gnomAD compares: Non-Finnish European, 0.000085%; no homozygotes.

Submissions (3):

Ambry Genetics
Classification: Uncertain significance for Hereditary cancer-predisposing syndrome. Last evaluated: 2026-06-28. Review status: criteria provided, single submitter. Criteria: Ambry Variant Classification Scheme 2023. Collection method: clinical testing. Allele origin: germline.
Comment: The p.S2578P variant (also known as c.7732T>C), located in coding exon 15 of the APC gene, results from a T to C substitution at nucleotide position 7732. The serine at codon 2578 is replaced by proline, an amino acid with similar properties. This amino acid position is conserved. In addition, in silico predictors for this gene do not accurately predict pathogenicity. Based on the available evidence, the clinical significance of this variant remains unclear.

Labcorp Genetics (formerly Invitae), Labcorp
Classification: Uncertain significance for Familial adenomatous polyposis 1. Last evaluated: 2024-03-19. Review status: criteria provided, single submitter. Criteria: Invitae Variant Classification Sherloc (09022015). Collection method: clinical testing. Allele origin: germline.
Comment: This sequence change replaces serine, which is neutral and polar, with proline, which is neutral and non-polar, at codon 2578 of the APC protein (p.Ser2578Pro). This variant is not present in population databases (gnomAD no frequency). This variant has not been reported in the literature in individuals affected with APC-related conditions. ClinVar contains an entry for this variant (Variation ID: 1692381). Advanced modeling of protein sequence and biophysical properties (such as structural, functional, and spatial information, amino acid conservation, physicochemical variation, residue mobility, and thermodynamic stability) performed at Invitae indicates that this missense variant is not expected to disrupt APC protein function with a negative predictive value of 95%. In summary, the available evidence is currently insufficient to determine the role of this variant in disease. Therefore, it has been classified as a Variant of Uncertain Significance.

Sema4
Classification: Uncertain significance for Hereditary cancer-predisposing syndrome. Last evaluated: 2021-07-03. Review status: criteria provided, single submitter. Criteria: Sema4 Curation Guidelines. Collection method: curation. Allele origin: germline.
Comment: The APC c.7732T>C (p.S2578P) variant has not been reported in the literature to our knowledge. This variant was not observed in the large and broad cohorts of Genome Aggregation Database (PMID: 32461654). This variant has been reported in ClinVar (Variation ID 418085). In silico tools suggest the impact of the variant on protein function is inconclusive, though these predictions have not been confirmed by functional studies. The overall evidence is insufficient to meet ACMG/AMP criteria for classifying it as benign or pathogenic. In summary, the clinical significance of this variant is currently uncertain.